The following is an entry in ClinVar:

ClinVar aggregate classification (germline): Likely pathogenic (0 of 4 stars; one submission).

Conditions:
Chronic progressive multiple sclerosis. Identifiers: MedGen C0393665, MONDO:0005284.

Submission:

Demyelinating Disease Laboratories, VA Medical Center and University of Tennessee
Classification: Likely pathogenic. Review status: no assertion criteria provided. Collection method: not provided. Allele origin: somatic.
ClinVar note: Converted during submission from probable-pathogenic to Likely pathogenic.

NM_031157.4(HNRNPA1):c.1052C>T (p.Pro351Leu)

Gene: HNRNPA1 (heterogeneous nuclear ribonucleoprotein A1; plus strand). Cytogenetic location: 12q13.13.
Variant type: single nucleotide variant.
Coding change: c.1052C>T on transcript NM_031157.4 (MANE Select); coding-DNA position 1052, C replaced by T.
Protein change: p.Pro351Leu; replaces proline 351 with leucine.
Molecular consequence: missense variant. On other transcripts: non-coding transcript variant (1).
Genome position (GRCh38, 1-based): chr12:54,283,956, C>T. VCF-style: chr12-54283956-C-T. GRCh37 (hg19) VCF-style: chr12-54677740-C-T.
Other names: c.896C>T, p.Pro299Leu (NM_002136.4); short protein forms P351L, P299L.
Identifiers: ClinVar variation 135605 (VCV000135605.2), dbSNP rs483353036, ClinGen allele CA163074.